The following is an entry in ClinVar:

NM_001040108.2(MLH3):c.3212C>G (p.Thr1071Ser)

Gene: MLH3 (mutL homolog 3; minus strand). Cytogenetic location: 14q24.3.
Variant type: single nucleotide variant.
Coding change: c.3212C>G on transcript NM_001040108.2 (MANE Select); coding-DNA position 3212, C replaced by G.
Protein change: p.Thr1071Ser; replaces threonine 1071 with serine.
Molecular consequence: missense variant.
Genome position (GRCh38, 1-based): chr14:75,046,444, G>C on the plus strand (C>G on the coding strand, the complement: MLH3 is on the minus strand). VCF-style: chr14-75046444-G-C. GRCh37 (hg19) VCF-style: chr14-75513147-G-C.
Other names: c.3212C>G, p.Thr1071Ser (NM_014381.3); short protein forms T1071S.
Identifiers: ClinVar variation 4055496 (VCV004055496.1).
Genomic context (GRCh38, chr14:75,046,444, plus strand): 5'-AGTACAACATCCACAGCCACAGTTGTCAGGTCTTTAGTACAAGCAGCCTGAATGTCCTCA[G>C]TTGGGGCAATGAATGTGCTGAGTCCAGTCATTTTGTTGACATAAACCATTCTTCCCAGGG-3'
Protein context (NP_001035197.1, residues 1061-1081): MTGLSTFIAP[Thr1071Ser]EDIQAACTKD

ClinVar aggregate classification (germline): Uncertain significance (1 of 4 stars; one submission).

Submission:

Ambry Genetics
Classification: Uncertain significance. Last evaluated: 2025-05-08. Review status: criteria provided, single submitter. Criteria: Ambry Variant Classification Scheme 2023. Collection method: clinical testing. Allele origin: germline.
Comment: The p.T1071S variant (also known as c.3212C>G), located in coding exon 1 of the MLH3 gene, results from a C to G substitution at nucleotide position 3212. The threonine at codon 1071 is replaced by serine, an amino acid with similar properties. This amino acid position is conserved. In addition, this alteration is predicted to be tolerated by in silico analysis. Based on the available evidence, the clinical significance of this variant remains unclear.